The following is an entry in ClinVar:

NM_020911.2(PLXNA4):c.1473C>A (p.His491Gln)

Gene: PLXNA4 (plexin A4; minus strand). Cytogenetic location: 7q32.3.
Variant type: single nucleotide variant.
Coding change: c.1473C>A on transcript NM_020911.2 (MANE Select); coding-DNA position 1473, C replaced by A.
Protein change: p.His491Gln; replaces histidine 491 with glutamine.
Molecular consequence: missense variant.
Genome position (GRCh38, 1-based): chr7:132,298,121, G>T on the plus strand (C>A on the coding strand, the complement: PLXNA4 is on the minus strand). VCF-style: chr7-132298121-G-T. GRCh37 (hg19) VCF-style: chr7-131982880-G-T.
Other names: c.1473C>A, p.His491Gln (NM_001393897.1); short protein forms H491Q.
Identifiers: ClinVar variation 2406347 (VCV002406347.6), dbSNP rs200301458, ClinGen allele CA4490142.

ClinVar aggregate classification (germline): Uncertain significance. Review status: criteria provided, single submitter (1 of 4 stars). 2 submissions from 2 submitters: Uncertain significance (1). 1 of the submissions does not count toward it. Last evaluated 2025-11-24.

Conditions:
PLXNA4-related disorder. Also called: PLXNA4-related condition.

Allele frequency attached by ClinVar (database versions not stated): 1000 Genomes Project 0.00040; 1000 Genomes Project 30x 0.00031.
gnomAD v4.1: 336 of 1,614,172 alleles (0.021%); highest among the groups gnomAD compares: Middle Eastern, 0.28%; 1 homozygote.

Submissions (2):

Ambry Genetics
Classification: Uncertain significance. Last evaluated: 2025-11-24. Review status: criteria provided, single submitter. Criteria: Ambry Variant Classification Scheme 2023. Collection method: clinical testing. Allele origin: germline.

PreventionGenetics, part of Exact Sciences
Classification: Likely benign for PLXNA4-related condition. Last evaluated: 2024-06-24. Review status: no assertion criteria provided. Collection method: clinical testing. Allele origin: germline. Not counted in ClinVar's aggregate classification.
Comment: This variant is classified as likely benign based on ACMG/AMP sequence variant interpretation guidelines (Richards et al. 2015 PMID: 25741868, with internal and published modifications).